The following is an entry in ClinVar:

ClinVar aggregate classification (germline): Uncertain significance (1 of 4 stars; one submission).

Submission:

Labcorp Genetics (formerly Invitae), Labcorp
Classification: Uncertain significance. Last evaluated: 2024-05-05. Review status: criteria provided, single submitter. Criteria: Invitae Variant Classification Sherloc (09022015). Collection method: clinical testing. Allele origin: germline.
Comment: This sequence change replaces proline, which is neutral and non-polar, with serine, which is neutral and polar, at codon 17 of the NEFH protein (p.Pro17Ser). This variant is not present in population databases (gnomAD no frequency). This variant has not been reported in the literature in individuals affected with NEFH-related conditions. Advanced modeling of protein sequence and biophysical properties (such as structural, functional, and spatial information, amino acid conservation, physicochemical variation, residue mobility, and thermodynamic stability) performed at Invitae indicates that this missense variant is not expected to disrupt NEFH protein function with a negative predictive value of 95%. In summary, the available evidence is currently insufficient to determine the role of this variant in disease. Therefore, it has been classified as a Variant of Uncertain Significance.

NM_021076.4(NEFH):c.49C>T (p.Pro17Ser)

Gene: NEFH (neurofilament heavy chain; plus strand). Cytogenetic location: 22q12.2.
Variant type: single nucleotide variant.
Coding change: c.49C>T on transcript NM_021076.4 (MANE Select); coding-DNA position 49, C replaced by T.
Protein change: p.Pro17Ser; replaces proline 17 with serine.
Molecular consequence: missense variant.
Genome position (GRCh38, 1-based): chr22:29,480,311, C>T. VCF-style: chr22-29480311-C-T. GRCh37 (hg19) VCF-style: chr22-29876300-C-T.
Other names: short protein forms P17S.
Identifiers: ClinVar variation 3637747 (VCV003637747.2).
Genomic context (GRCh38, chr22:29,480,311, plus strand): 5'-CCTGCTCAGGCCATGATGAGCTTCGGCGGCGCGGACGCGCTGCTGGGCGCCCCGTTCGCG[C>T]CGCTGCATGGCGGCGGCAGCCTCCACTACGCGCTAGCCCGAAAGGGTGGCGCAGGCGGGA-3'
Protein context (NP_066554.2, residues 7-27): ADALLGAPFA[Pro17Ser]LHGGGSLHYA